The following is an entry in ClinVar:

ClinVar aggregate classification (germline): Uncertain significance (1 of 4 stars; one submission).

Conditions:
Epileptic encephalopathy. Identifiers: MedGen C0543888, HP:0200134.

Allele frequency attached by ClinVar (database versions not stated): TOPMed below 0.00001; gnomAD 0.00001.
gnomAD v4.1: 1 of 1,613,774 alleles (0.000062%); highest among the groups gnomAD compares: Non-Finnish European, 0.000085%; no homozygotes.

Submission:

Labcorp Genetics (formerly Invitae), Labcorp
Classification: Uncertain significance for Epileptic encephalopathy. Last evaluated: 2020-11-03. Review status: criteria provided, single submitter. Criteria: Invitae Variant Classification Sherloc (09022015). Collection method: clinical testing. Allele origin: germline.
Comment: In summary, the available evidence is currently insufficient to determine the role of this variant in disease. Therefore, it has been classified as a Variant of Uncertain Significance. Algorithms developed to predict the effect of missense changes on protein structure and function (SIFT, PolyPhen-2, Align-GVGD) all suggest that this variant is likely to be tolerated, but these predictions have not been confirmed by published functional studies and their clinical significance is uncertain. This variant has not been reported in the literature in individuals with RYR3-related conditions. This variant is not present in population databases (ExAC no frequency). This sequence change replaces glycine with glutamic acid at codon 4273 of the RYR3 protein (p.Gly4273Glu). The glycine residue is moderately conserved and there is a moderate physicochemical difference between glycine and glutamic acid.

NM_001036.6(RYR3):c.12818G>A (p.Gly4273Glu)

Gene: RYR3 (ryanodine receptor 3; plus strand). Cytogenetic location: 15q14.
Variant type: single nucleotide variant.
Coding change: c.12818G>A on transcript NM_001036.6 (MANE Select); coding-DNA position 12818, G replaced by A.
Protein change: p.Gly4273Glu; replaces glycine 4273 with glutamic acid.
Molecular consequence: missense variant.
Genome position (GRCh38, 1-based): chr15:33,838,798, G>A. VCF-style: chr15-33838798-G-A. GRCh37 (hg19) VCF-style: chr15-34130999-G-A.
Other names: c.12803G>A, p.Gly4268Glu (NM_001243996.4); short protein forms G4268E, G4273E.
Identifiers: ClinVar variation 1418235 (VCV001418235.8), dbSNP rs2078190366, ClinGen allele CA391596091.